The following is an entry in ClinVar:

ClinVar aggregate classification (germline): Conflicting classifications of pathogenicity. Review status: criteria provided, conflicting classifications (1 of 4 stars). 7 submissions from 7 submitters: Uncertain significance (3); Benign (1); Likely benign (3). Last evaluated 2025-06-25.

Conditions:
Familial thoracic aortic aneurysm and aortic dissection (TAAD). Also called: Thoracic aortic aneurysms and dissections. Identifiers: Orphanet 91387, MedGen C4707243, MONDO:0019625.
Ehlers-Danlos syndrome, type 4 (EDSVASC). Also called: Ehlers-Danlos syndrome vascular type; Ehlers Danlos syndrome, ecchymotic type; Ehlers Danlos syndrome, arterial type; Ehlers Danlos syndrome, Sack-Barabas type; Ehlers-Danlos Syndrome Type IV. Identifiers: Orphanet 286, MedGen C0268338, MONDO:0017314, OMIM 130050.

Allele frequency attached by ClinVar (database versions not stated): TOPMed 0.00002; ExAC 0.00008; gnomAD exomes 0.00010.
gnomAD v4.1: 40 of 1,614,040 alleles (0.0025%); highest among the groups gnomAD compares: East Asian, 0.053%; no homozygotes.

Submissions (7):

Color Diagnostics, LLC DBA Color Health
Classification: Likely benign for Familial thoracic aortic aneurysm and aortic dissection. Last evaluated: 2025-06-25. Review status: criteria provided, single submitter. Criteria: ACMG Guidelines, 2015. Collection method: clinical testing. Allele origin: germline.

Labcorp Genetics (formerly Invitae), Labcorp
Classification: Likely benign for Ehlers-Danlos syndrome, type 4. Last evaluated: 2025-06-18. Review status: criteria provided, single submitter. Criteria: Invitae Variant Classification Sherloc (09022015). Collection method: clinical testing. Allele origin: germline.

All of Us Research Program, National Institutes of Health
Classification: Uncertain significance for Ehlers-Danlos syndrome, type 4. Last evaluated: 2024-05-07. Review status: criteria provided, single submitter. Criteria: ACMG Guidelines, 2015. Collection method: clinical testing. Allele origin: germline. Inheritance: Autosomal dominant inheritance. Observed: 8 variant alleles, 8 heterozygotes.
Comment: This missense variant replaces alanine with threonine at codon 1259 of the COL3A1 protein. Computational prediction suggests that this variant may have deleterious impact on protein structure and function (internally defined REVEL score threshold >= 0.7, PMID: 27666373). To our knowledge, functional studies have not been reported for this variant. This variant has been reported in two Chinese siblings affected with abdominal aortic aneurysm rupture and tissue fragility (PMID: 28035354) and was not detected in two unaffected family members. This variant has also been identified in one individual affected with vascular Ehlers-Danlos syndrome, having dissection of the right internal carotid artery (PMID: 25758994). This variant has also been identified in 29/282350 chromosomes (26/19954 East Asian chromosomes) in the general population by the Genome Aggregation Database (gnomAD). Although the variant allele frequency is greater than expected for COL3A1-related disorders, the available evidence is insufficient to determine the role of this variant in disease conclusively. Therefore, this variant is classified as a Variant of Uncertain Significance.

This study involves interpretation of variants in research participants for the purpose of population health screening. Participant phenotype was not available at the time of variant classification. Additional details can be found in publication PMID: 35346344, PMCID: PMC8962531

GeneDx
Classification: Uncertain significance. Last evaluated: 2023-09-12. Review status: criteria provided, single submitter. Criteria: GeneDx Variant Classification Process June 2021. Collection method: clinical testing. Allele origin: germline. Affected: yes.
Comment: Reported in association with vEDS and appears to segregate with aortopathy in one Chinese family (Frank et al., 2015; Zhang et al., 2017); In silico analysis supports that this missense variant has a deleterious effect on protein structure/function; Not located in the triple helical region, where the majority of pathogenic missense variants occur (HGMD); This variant is associated with the following publications: (PMID: 25758994, 28035354, 27153395, 34318601, 30919682, 36277156)

Mayo Clinic Laboratories, Mayo Clinic
Classification: Uncertain significance. Last evaluated: 2023-08-24. Review status: criteria provided, single submitter. Criteria: ACMG Guidelines, 2015. Collection method: clinical testing. Allele origin: germline. Observed: 2 variant alleles.
Comment: BS1, PP2, PP3, PS4_moderate

Ambry Genetics
Classification: Likely benign for Familial thoracic aortic aneurysm and aortic dissection. Last evaluated: 2021-10-05. Review status: criteria provided, single submitter. Criteria: Ambry Variant Classification Scheme 2023. Collection method: clinical testing. Allele origin: germline.

Illumina Laboratory Services, Illumina
Classification: Benign for Ehlers-Danlos syndrome, type 4. Last evaluated: 2018-01-12. Review status: criteria provided, single submitter. Criteria: ICSL Variant Classification Criteria 13 December 2019. Collection method: clinical testing. Allele origin: germline.
Comment: This variant was observed in the ICSL laboratory as part of a predisposition screen in an ostensibly healthy population. It had not been previously curated by ICSL or reported in the Human Gene Mutation Database (HGMD: prior to June 1st, 2018), and was therefore a candidate for classification through an automated scoring system. Utilizing variant allele frequency, disease prevalence and penetrance estimates, and inheritance mode, an automated score was calculated to assess if this variant is too frequent to cause the disease. Based on the score and internal cut-off values, a variant classified as benign is not then subjected to further curation. The score for this variant resulted in a classification of benign for this disease.

Literature cited by the submitters: PubMed 25758994 (cited by 3 submitters); PubMed 28035354 (cited by 3 submitters); PubMed 30919682 (cited by Mayo Clinic Laboratories, Mayo Clinic and Ambry Genetics); PubMed 34318601 (cited by Mayo Clinic Laboratories, Mayo Clinic); PubMed 36277156 (cited by Mayo Clinic Laboratories, Mayo Clinic); PubMed 27153395 (cited by Ambry Genetics).

NM_000090.4(COL3A1):c.3775G>A (p.Ala1259Thr)

Gene: COL3A1 (collagen type III alpha 1 chain; plus strand). Cytogenetic location: 2q32.2.
Variant type: single nucleotide variant.
Coding change: c.3775G>A on transcript NM_000090.4 (MANE Select); coding-DNA position 3775, G replaced by A.
Protein change: p.Ala1259Thr; replaces alanine 1259 with threonine.
Molecular consequence: missense variant.
Genome position (GRCh38, 1-based): chr2:189,009,173, G>A. VCF-style: chr2-189009173-G-A. GRCh37 (hg19) VCF-style: chr2-189873899-G-A.
Other names: p.Ala1259Thr; short protein forms A1259T.
Identifiers: ClinVar variation 263915 (VCV000263915.29), dbSNP rs776478974, ClinGen allele CA076273.